The following is an entry in ClinVar:

ClinVar aggregate classification (germline): Uncertain significance. Review status: criteria provided, multiple submitters, no conflicts (2 of 4 stars). 2 submissions from 2 submitters: Uncertain significance (2). Last evaluated 2026-04-14.

Conditions:
Familial intrahepatic cholestasis. Identifiers: Orphanet 284385, MedGen CN296401, MONDO:0017290.
Low phospholipid associated cholelithiasis (GBD1). Also called: Gallstone cholecystitis; Gallbladder disease 1. Identifiers: Orphanet 69663, MedGen C2609268, MONDO:0010939, OMIM 600803.

gnomAD v4.1: 31 of 1,613,798 alleles (0.0019%); highest among the groups gnomAD compares: South Asian, 0.023%; no homozygotes.

Submissions (2):

Genomenon, Inc
Classification: Uncertain significance for Familial intrahepatic cholestasis; Low phospholipid associated cholelithiasis. Last evaluated: 2026-04-14. Review status: criteria provided, single submitter. Criteria: Genomenon Sequence Variant Interpretation Standards - Updated. Collection method: curation. Allele origin: germline. Affected: no.
Comment: ABCB4 p.Arg1137Gln (c.3410G>A) is a missense variant that changes the amino acid at residue 1137 from Arginine to Glutamine. This variant has been reported in the published literature (PMID:37208429). It is absent or not present at a significant frequency in gnomAD. In silico models predict that this variant is possibly or probably damaging. In conclusion, we classify ABCB4 p.Arg1137Gln (c.3410G>A) as a variant of uncertain significance.

Women's Health and Genetics/Laboratory Corporation of America, LabCorp
Classification: Uncertain significance. Last evaluated: 2024-10-02. Review status: criteria provided, single submitter. Criteria: LabCorp Variant Classification Summary - May 2015. Collection method: clinical testing. Allele origin: germline.
Comment: Variant summary: ABCB4 c.3410G>A (p.Arg1137Gln) results in a conservative amino acid change located in the ABC transporter-like, ATP-binding domain (IPR003439) of the encoded protein sequence. Three of five in-silico tools predict a damaging effect of the variant on protein function. The variant allele was found at a frequency of 3.2e-05 in 251398 control chromosomes. The available data on variant occurrences in the general population are insufficient to allow any conclusion about variant significance. c.3410G>A has been reported in the literature in at least one individual affected with Gallstone disease without reported genotype (e.g. Zollner_2023). This report does not provide unequivocal conclusions about association of the variant with Familial Intrahepatic Cholestasis. To our knowledge, no experimental evidence demonstrating an impact on protein function has been reported. The following publication has been ascertained in the context of this evaluation (PMID: 37208429). No submitters have cited clinical-significance assessments for this variant to ClinVar. Based on the evidence outlined above, the variant was classified as uncertain significance.

Literature cited by the submitters: PubMed 37208429 (cited by Genomenon, Inc and Women's Health and Genetics/Laboratory Corporation of America, LabCorp).

NM_000443.4(ABCB4):c.3410G>A (p.Arg1137Gln)

Gene: ABCB4 (ATP binding cassette subfamily B member 4; minus strand). Cytogenetic location: 7q21.12.
Variant type: single nucleotide variant.
Coding change: c.3410G>A on transcript NM_000443.4 (MANE Select); coding-DNA position 3410, G replaced by A.
Protein change: p.Arg1137Gln; replaces arginine 1137 with glutamine.
Molecular consequence: missense variant.
Genome position (GRCh38, 1-based): chr7:87,406,364, C>T on the plus strand (G>A on the coding strand, the complement: ABCB4 is on the minus strand). VCF-style: chr7-87406364-C-T. GRCh37 (hg19) VCF-style: chr7-87035680-C-T.
Other names: c.3431G>A, p.Arg1144Gln (NM_018849.3); c.3269G>A, p.Arg1090Gln (NM_018850.3); short protein forms R1090Q, R1137Q, R1144Q.
Identifiers: ClinVar variation 3384981 (VCV003384981.2).